The following is an entry in ClinVar:

ClinVar aggregate classification (germline): Uncertain significance (1 of 4 stars; one submission).

Submission:

Labcorp Genetics (formerly Invitae), Labcorp
Classification: Uncertain significance. Last evaluated: 2025-11-06. Review status: criteria provided, single submitter. Criteria: Invitae Variant Classification Sherloc (09022015). Collection method: clinical testing. Allele origin: germline.
Comment: This variant, c.5144_5146del, results in the deletion of 1 amino acid(s) of the COL11A2 protein (p.Phe1715del), but otherwise preserves the integrity of the reading frame. This variant is not present in population databases (gnomAD no frequency). This variant has not been reported in the literature in individuals affected with COL11A2-related conditions. Experimental studies and prediction algorithms are not available or were not evaluated, and the functional significance of this variant is currently unknown. In summary, the available evidence is currently insufficient to determine the role of this variant in disease. Therefore, it has been classified as a Variant of Uncertain Significance.

NM_080680.3(COL11A2):c.5144_5146del (p.Phe1715del)

Gene: COL11A2 (collagen type XI alpha 2 chain; minus strand). Cytogenetic location: 6p21.32.
Variant type: Deletion.
Coding change: c.5144_5146del on transcript NM_080680.3 (MANE Select); coding-DNA positions 5144 to 5146, 3 bases deleted (TCT; older notation c.5144_5146delTCT).
Protein change: p.Phe1715del; deletes phenylalanine 1715.
Molecular consequence: inframe deletion.
Genome position (GRCh38, 1-based): chr6:33,163,743-33,163,745, AGA deleted on the plus strand (TCT on the coding strand, the reverse complement: COL11A2 is on the minus strand); deleting any 3 consecutive bases within chr6:33,163,743-33,163,747 gives the same sequence; the c. name uses the placement nearest the transcript's 3' end. VCF-style (leftmost placement, unchanged base first): chr6-33163742-GAGA-G. GRCh37 (hg19) VCF-style: chr6-33131519-GAGA-G.
Other names: c.4964_4966del, p.Phe1655del (NM_001424108.1); c.4298_4300del, p.Phe1433del (NM_001424109.1); c.4118_4120del, p.Phe1373del (NM_001424110.1, NM_001424111.1); c.3098_3100del, p.Phe1033del (NM_001424112.1); c.4823_4825del, p.Phe1608del (NM_080679.3); c.4886_4888del, p.Phe1629del (NM_080681.3); short protein forms F1373del, F1033del, F1629del, F1655del, F1433del, F1715del, F1608del.
Identifiers: ClinVar variation 4730641 (VCV004730641.1).